The following is an entry in ClinVar:

NM_003873.7(NRP1):c.2062+5C>T

Gene: NRP1 (neuropilin 1; minus strand). Cytogenetic location: 10p11.22.
Variant type: single nucleotide variant.
Coding change: c.2062+5C>T on transcript NM_003873.7 (MANE Select); 5 bases into the intron after coding-DNA position 2062, C replaced by T.
Molecular consequence: intron variant.
Genome position (GRCh38, 1-based): chr10:33,192,276, G>A on the plus strand (C>T on the coding strand, the complement: NRP1 is on the minus strand). VCF-style: chr10-33192276-G-A. GRCh37 (hg19) VCF-style: chr10-33481204-G-A.
Other names: c.2041+5C>T (NM_001244973.2, NM_001244972.2); c.2062+5C>T (NM_001330068.2).
Identifiers: ClinVar variation 3051176 (VCV003051176.2), dbSNP rs752602815, ClinGen allele CA5466282.

ClinVar aggregate classification (germline): Likely benign (0 of 4 stars; one submission).

Conditions:
NRP1-related disorder. Also called: NRP1-related condition.

Allele frequency attached by ClinVar (database versions not stated): TOPMed below 0.00001; ExAC 0.00001; gnomAD exomes 0.00001.
gnomAD v4.1: 5 of 1,612,470 alleles (0.00031%); highest among the groups gnomAD compares: Admixed American, 0.0067%; no homozygotes.

Submission:

PreventionGenetics, part of Exact Sciences
Classification: Likely benign for NRP1-related condition. Last evaluated: 2023-03-15. Review status: no assertion criteria provided. Collection method: clinical testing. Allele origin: germline.
Comment: This variant is classified as likely benign based on ACMG/AMP sequence variant interpretation guidelines (Richards et al. 2015 PMID: 25741868, with internal and published modifications).